The following is an entry in ClinVar:

ClinVar aggregate classification (germline): Uncertain significance (1 of 4 stars; one submission).

gnomAD v4.1: 1 of 1,613,882 alleles (0.000062%); no homozygotes.

Submission:

Labcorp Genetics (formerly Invitae), Labcorp
Classification: Uncertain significance. Last evaluated: 2025-01-06. Review status: criteria provided, single submitter. Criteria: Invitae Variant Classification Sherloc (09022015). Collection method: clinical testing. Allele origin: germline.
Comment: This sequence change replaces cysteine, which is neutral and slightly polar, with tyrosine, which is neutral and polar, at codon 56 of the CLCN6 protein (p.Cys56Tyr). This variant is present in population databases (rs747820320, gnomAD 0.0009%). This variant has not been reported in the literature in individuals affected with CLCN6-related conditions. An algorithm developed to predict the effect of missense changes on protein structure and function (PolyPhen-2) suggests that this variant is likely to be disruptive. In summary, the available evidence is currently insufficient to determine the role of this variant in disease. Therefore, it has been classified as a Variant of Uncertain Significance.

NM_001286.5(CLCN6):c.167G>A (p.Cys56Tyr)

Gene: CLCN6 (chloride voltage-gated channel 6; plus strand). Cytogenetic location: 1p36.22.
Variant type: single nucleotide variant.
Coding change: c.167G>A on transcript NM_001286.5 (MANE Select); coding-DNA position 167, G replaced by A.
Protein change: p.Cys56Tyr; replaces cysteine 56 with tyrosine.
Molecular consequence: missense variant. On other transcripts: non-coding transcript variant (1), intron variant (1).
Genome position (GRCh38, 1-based): chr1:11,815,865, G>A. VCF-style: chr1-11815865-G-A. GRCh37 (hg19) VCF-style: chr1-11875922-G-A.
Other names: c.148-750G>A (NM_001256959.2); short protein forms C56Y.
Identifiers: ClinVar variation 3609592 (VCV003609592.2).